The following is an entry in ClinVar:

NM_020297.4(ABCC9):c.1913del (p.Gln638fs)

Gene: ABCC9 (ATP binding cassette subfamily C member 9; minus strand). Cytogenetic location: 12p12.1.
Variant type: Deletion.
Coding change: c.1913del on transcript NM_020297.4 (MANE Select); coding-DNA position 1913, one base deleted (A; older notation c.1913delA).
Protein change: p.Gln638fs; shifts the reading frame from glutamine 638.
Molecular consequence: frameshift variant.
Genome position (GRCh38, 1-based): chr12:21,882,872, T deleted on the plus strand (A on the coding strand, the reverse complement: ABCC9 is on the minus strand). VCF-style (leftmost placement, unchanged base first): chr12-21882871-CT-C. GRCh37 (hg19) VCF-style: chr12-22035805-CT-C.
Other names: c.1913del, p.Gln638fs (NM_001377273.1, NM_005691.4); c.1049del, p.Gln350fs (NM_001377274.1); short protein forms Q350fs, Q638fs.
Identifiers: ClinVar variation 3722322 (VCV003722322.2).

ClinVar aggregate classification (germline): Pathogenic (1 of 4 stars; one submission).

Conditions:
Dilated cardiomyopathy 1O (CMD1O). Also called: CARDIOMYOPATHY, DILATED, WITH VENTRICULAR TACHYCARDIA. Identifiers: Orphanet 154, MedGen C1837839, MONDO:0012062, OMIM 608569.

Submission:

Labcorp Genetics (formerly Invitae), Labcorp
Classification: Pathogenic for Dilated cardiomyopathy 1O. Last evaluated: 2024-10-12. Review status: criteria provided, single submitter. Criteria: Invitae Variant Classification Sherloc (09022015). Collection method: clinical testing. Allele origin: germline.
Comment: This sequence change creates a premature translational stop signal (p.Gln638Argfs*5) in the ABCC9 gene. It is expected to result in an absent or disrupted protein product. Loss-of-function variants in ABCC9 are known to be pathogenic (PMID: 31575858, 38217872). This variant is not present in population databases (gnomAD no frequency). This variant has not been reported in the literature in individuals affected with ABCC9-related conditions. For these reasons, this variant has been classified as Pathogenic.

Literature cited by the submitters: PubMed 31575858; PubMed 38217872.